The following is an entry in ClinVar:

NM_005876.5(SPEG):c.1594G>A (p.Glu532Lys)

Gene: SPEG (striated muscle enriched protein kinase; plus strand). Cytogenetic location: 2q35.
Variant type: single nucleotide variant.
Coding change: c.1594G>A on transcript NM_005876.5 (MANE Select); coding-DNA position 1594, G replaced by A.
Protein change: p.Glu532Lys; replaces glutamic acid 532 with lysine.
Molecular consequence: missense variant.
Genome position (GRCh38, 1-based): chr2:219,448,752, G>A. VCF-style: chr2-219448752-G-A. GRCh37 (hg19) VCF-style: chr2-220313474-G-A.
Other names: short protein forms E532K.
Identifiers: ClinVar variation 1981104 (VCV001981104.4), dbSNP rs1182449852, ClinGen allele CA350722073.

ClinVar aggregate classification (germline): Uncertain significance (1 of 4 stars; one submission).

Allele frequency attached by ClinVar (database versions not stated): gnomAD exomes 0.00002; TOPMed 0.00002.
gnomAD v4.1: 24 of 1,469,736 alleles (0.0016%); highest among the groups gnomAD compares: Non-Finnish European, 0.0021%; no homozygotes.

Submission:

Labcorp Genetics (formerly Invitae), Labcorp
Classification: Uncertain significance. Last evaluated: 2022-11-28. Review status: criteria provided, single submitter. Criteria: Invitae Variant Classification Sherloc (09022015). Collection method: clinical testing. Allele origin: germline.
Comment: This sequence change replaces glutamic acid, which is acidic and polar, with lysine, which is basic and polar, at codon 532 of the SPEG protein (p.Glu532Lys). This variant is not present in population databases (gnomAD no frequency). This variant has not been reported in the literature in individuals affected with SPEG-related conditions. Algorithms developed to predict the effect of missense changes on protein structure and function are either unavailable or do not agree on the potential impact of this missense change (SIFT: "Tolerated"; PolyPhen-2: "Probably Damaging"; Align-GVGD: "Class C0"). In summary, the available evidence is currently insufficient to determine the role of this variant in disease. Therefore, it has been classified as a Variant of Uncertain Significance.